The following is an entry in ClinVar:

ClinVar aggregate classification (germline): Uncertain significance (1 of 4 stars; one submission).

Conditions:
Genitopatellar syndrome (GTPTS). Also called: Genitopatellar syndrome (GPS); ABSENT PATELLAE, SCROTAL HYPOPLASIA, RENAL ANOMALIES, FACIAL DYSMORPHISM, AND MENTAL RETARDATION. Identifiers: Orphanet 85201, MedGen C1853566, MONDO:0011640, OMIM 606170.

Allele frequency attached by ClinVar (database versions not stated): ExAC 0.00001; gnomAD exomes 0.00001; gnomAD 0.00002; TOPMed 0.00002; ESP Exome Variant Server 0.00008.
gnomAD v4.1: 19 of 1,614,114 alleles (0.0012%); highest among the groups gnomAD compares: South Asian, 0.0022%; no homozygotes.

Submission:

Labcorp Genetics (formerly Invitae), Labcorp
Classification: Uncertain significance for Genitopatellar syndrome. Last evaluated: 2025-03-04. Review status: criteria provided, single submitter. Criteria: Invitae Variant Classification Sherloc (09022015). Collection method: clinical testing. Allele origin: germline.
Comment: This sequence change replaces tyrosine, which is neutral and polar, with cysteine, which is neutral and slightly polar, at codon 2056 of the KAT6B protein (p.Tyr2056Cys). This variant is present in population databases (rs139014890, gnomAD 0.003%). This variant has not been reported in the literature in individuals affected with KAT6B-related conditions. ClinVar contains an entry for this variant (Variation ID: 2186225). An algorithm developed to predict the effect of missense changes on protein structure and function (PolyPhen-2) suggests that this variant is likely to be disruptive. In summary, the available evidence is currently insufficient to determine the role of this variant in disease. Therefore, it has been classified as a Variant of Uncertain Significance.

NM_012330.4(KAT6B):c.6167A>G (p.Tyr2056Cys)

Gene: KAT6B (lysine acetyltransferase 6B; plus strand). Cytogenetic location: 10q22.2.
Variant type: single nucleotide variant.
Coding change: c.6167A>G on transcript NM_012330.4 (MANE Select); coding-DNA position 6167, A replaced by G.
Protein change: p.Tyr2056Cys; replaces tyrosine 2056 with cysteine.
Molecular consequence: missense variant.
Genome position (GRCh38, 1-based): chr10:75,030,991, A>G. VCF-style: chr10-75030991-A-G. GRCh37 (hg19) VCF-style: chr10-76790749-A-G.
Other names: c.5618A>G, p.Tyr1873Cys (NM_001256468.2, NM_001370138.1); c.5291A>G, p.Tyr1764Cys (NM_001370141.1, NM_001370142.1, NM_001256469.2 and 2 more transcripts); c.5102A>G, p.Tyr1701Cys (NM_001370143.1, NM_001370144.1); c.5129A>G, p.Tyr1710Cys (NM_001370132.1); c.4478A>G, p.Tyr1493Cys (NM_001370133.1); c.4082A>G, p.Tyr1361Cys (NM_001370134.1); c.3824A>G, p.Tyr1275Cys (NM_001370135.1); c.6167A>G, p.Tyr2056Cys (NM_001370136.1, NM_001370137.1); short protein forms Y2056C, Y1275C, Y1701C, Y1873C, Y1361C, Y1493C, Y1710C, Y1764C.
Identifiers: ClinVar variation 2186225 (VCV002186225.4), dbSNP rs139014890, ClinGen allele CA5565323.